The following is an entry in ClinVar:

ClinVar aggregate classification (germline): Uncertain significance (1 of 4 stars; one submission).

Conditions:
Malignant hyperthermia, susceptibility to, 1 (MHS1). Also called: Anesthesia related hyperthermia; Malignant hyperpyrexia; Fulminating hyperpyrexia; Pharmacogenic myopathy; RYR1-Related Malignant Hyperthermia Susceptibility; Malignant hyperthermia suceptibility 1. Identifiers: Orphanet 423, MedGen C2930980, MONDO:0007783, OMIM 145600.

Allele frequency attached by ClinVar (database versions not stated): gnomAD 0.00001; TOPMed 0.00001.
gnomAD v4.1: 2 of 1,614,010 alleles (0.00012%); highest among the groups gnomAD compares: Admixed American, 0.0017%; no homozygotes.

Submission:

All of Us Research Program, National Institutes of Health
Classification: Uncertain significance for Malignant hyperthermia, susceptibility to, 1. Last evaluated: 2023-12-18. Review status: criteria provided, single submitter. Criteria: ACMG Guidelines, 2015. Collection method: clinical testing. Allele origin: germline. Inheritance: Autosomal dominant inheritance. Observed: 1 variant allele, 1 heterozygote.
Comment: This missense variant replaces threonine with serine at codon 1545 of the RYR1 protein. Computational prediction is inconclusive regarding the impact of this variant on protein structure and function (internally defined REVEL score threshold 0.5 < inconclusive < 0.7, PMID: 27666373). To our knowledge, functional studies have not been reported for this variant. This variant has not been reported in individuals affected with RYR1-related disorders in the literature. This variant has not been identified in the general population by the Genome Aggregation Database (gnomAD). The available evidence is insufficient to determine the role of this variant in disease conclusively. Therefore, this variant is classified as a Variant of Uncertain Significance.

This study involves interpretation of variants in research participants for the purpose of population health screening. Participant phenotype was not available at the time of variant classification. Additional details can be found in publication PMID: 35346344, PMCID: PMC8962531

NM_000540.3(RYR1):c.4634C>G (p.Thr1545Ser)

Gene: RYR1 (ryanodine receptor 1; plus strand). Cytogenetic location: 19q13.2.
Variant type: single nucleotide variant.
Coding change: c.4634C>G on transcript NM_000540.3 (MANE Select); coding-DNA position 4634, C replaced by G.
Protein change: p.Thr1545Ser; replaces threonine 1545 with serine.
Molecular consequence: missense variant.
Genome position (GRCh38, 1-based): chr19:38,483,040, C>G. VCF-style: chr19-38483040-C-G. GRCh37 (hg19) VCF-style: chr19-38973680-C-G.
Other names: c.4634C>G, p.Thr1545Ser (NM_001042723.2); short protein forms T1545S.
Identifiers: ClinVar variation 3075128 (VCV003075128.1), dbSNP rs1969091538, ClinGen allele CA405649326.